The following is an entry in ClinVar:

NM_015662.3(IFT172):c.4629G>A (p.Thr1543=)

Gene: IFT172 (intraflagellar transport 172; minus strand). Cytogenetic location: 2p23.3.
Variant type: single nucleotide variant.
Coding change: c.4629G>A on transcript NM_015662.3 (MANE Select); coding-DNA position 4629, G replaced by A.
Protein change: p.Thr1543=; no amino-acid change (threonine 1543 retained).
Molecular consequence: synonymous variant.
Genome position (GRCh38, 1-based): chr2:27,447,545, C>T on the plus strand (G>A on the coding strand, the complement: IFT172 is on the minus strand). VCF-style: chr2-27447545-C-T. GRCh37 (hg19) VCF-style: chr2-27670412-C-T.
Other names: c.4629G>A (NM_015662.2).
Identifiers: ClinVar variation 1637550 (VCV001637550.11), dbSNP rs371031629, ClinGen allele CA1579541.

ClinVar aggregate classification (germline): Likely benign. Review status: criteria provided, multiple submitters, no conflicts (2 of 4 stars). 3 submissions from 3 submitters: Likely benign (2). 1 of the submissions does not count toward it. Last evaluated 2025-06-12.

Conditions:
IFT172-related disorder. Also called: IFT172-related disorders; IFT172-related condition.
Retinitis pigmentosa 71 (RP71). Identifiers: Orphanet 791, MedGen C4225342, MONDO:0014618, OMIM 616394.
Short-rib thoracic dysplasia 10 with or without polydactyly (SRTD10). Identifiers: Orphanet 474, MedGen C3810175, MONDO:0014284, OMIM 615630.

Allele frequency attached by ClinVar (database versions not stated): gnomAD 0.00002; gnomAD exomes 0.00002; ExAC 0.00003; TOPMed 0.00003; ESP Exome Variant Server 0.00015.
gnomAD v4.1: 33 of 1,613,986 alleles (0.002%); highest among the groups gnomAD compares: African/African-American, 0.008%; no homozygotes.

Submissions (3):

Labcorp Genetics (formerly Invitae), Labcorp
Classification: Likely benign for Retinitis pigmentosa 71; Short-rib thoracic dysplasia 10 with or without polydactyly. Last evaluated: 2025-06-12. Review status: criteria provided, single submitter. Criteria: Invitae Variant Classification Sherloc (09022015). Collection method: clinical testing. Allele origin: germline.

Blueprint Genetics
Classification: Likely benign. Last evaluated: 2022-04-28. Review status: criteria provided, single submitter. Criteria: ACMG Guidelines, 2015. Collection method: clinical testing. Allele origin: germline.

PreventionGenetics, part of Exact Sciences
Classification: Likely benign for IFT172-related condition. Last evaluated: 2023-08-04. Review status: no assertion criteria provided. Collection method: clinical testing. Allele origin: germline. Not counted in ClinVar's aggregate classification.
Comment: This variant is classified as likely benign based on ACMG/AMP sequence variant interpretation guidelines (Richards et al. 2015 PMID: 25741868, with internal and published modifications).